The following is an entry in ClinVar:

ClinVar aggregate classification (germline): Uncertain significance (1 of 4 stars; one submission).

Allele frequency attached by ClinVar (database versions not stated): gnomAD 0.00001; TOPMed 0.00001.

Submission:

Labcorp Genetics (formerly Invitae), Labcorp
Classification: Uncertain significance. Last evaluated: 2021-12-14. Review status: criteria provided, single submitter. Criteria: Invitae Variant Classification Sherloc (09022015). Collection method: clinical testing. Allele origin: germline.
Comment: This sequence change affects an acceptor splice site in intron 8 of the IL6R gene. It is expected to disrupt RNA splicing. Variants that disrupt the donor or acceptor splice site typically lead to a loss of protein function (PMID: 16199547), however the current clinical and genetic evidence is not sufficient to establish whether loss-of-function variants in IL6R cause disease. This variant is present in population databases (no rsID available, gnomAD 0.0009%). This variant has not been reported in the literature in individuals affected with IL6R-related conditions. Algorithms developed to predict the effect of sequence changes on RNA splicing suggest that this variant may disrupt the consensus splice site. In summary, the available evidence is currently insufficient to determine the role of this variant in disease. Therefore, it has been classified as a Variant of Uncertain Significance.

Literature cited by the submitters: PubMed 16199547.

NM_000565.4(IL6R):c.1067-1G>A

Gene: IL6R (interleukin 6 receptor; plus strand). Cytogenetic location: 1q21.3.
Variant type: single nucleotide variant.
Coding change: c.1067-1G>A on transcript NM_000565.4 (MANE Select); the canonical splice acceptor site of the intron before coding-DNA position 1067, G replaced by A.
Molecular consequence: splice acceptor variant. On other transcripts: intron variant (2).
Genome position (GRCh38, 1-based): chr1:154,454,487, G>A. VCF-style: chr1-154454487-G-A. GRCh37 (hg19) VCF-style: chr1-154426963-G-A.
Other names: c.1115-1G>A (NM_001382771.1); c.1114+4507G>A (NM_001382773.1); c.1160-1G>A (NM_001382770.1); c.1166-1G>A (NM_001382769.1); c.1066+4507G>A (NM_181359.3); c.1061-1G>A (NM_001382772.1); c.707-1G>A (NM_001382774.1).
Identifiers: ClinVar variation 1951786 (VCV001951786.2), dbSNP rs1022515229, ClinGen allele CA30809722.